The following is an entry in ClinVar:

NM_006245.4(PPP2R5D):c.1607C>G (p.Thr536Arg)

Gene: PPP2R5D (protein phosphatase 2 regulatory subunit B'delta; plus strand). Cytogenetic location: 6p21.1.
Variant type: single nucleotide variant.
Coding change: c.1607C>G on transcript NM_006245.4 (MANE Select); coding-DNA position 1607, C replaced by G.
Protein change: p.Thr536Arg; replaces threonine 536 with arginine.
Molecular consequence: missense variant.
Genome position (GRCh38, 1-based): chr6:43,010,933, C>G. VCF-style: chr6-43010933-C-G. GRCh37 (hg19) VCF-style: chr6-42978671-C-G.
Other names: c.1607C>G (NM_006245.3); c.1154C>G, p.Thr385Arg (NM_001270476.2); c.1511C>G, p.Thr504Arg (NM_180976.3); c.1289C>G, p.Thr430Arg (NM_180977.3); short protein forms T385R, T430R, T504R, T536R.
Identifiers: ClinVar variation 3237198 (VCV003237198.2), dbSNP rs2532491782.

ClinVar aggregate classification (germline): Uncertain significance. Review status: criteria provided, multiple submitters, no conflicts (2 of 4 stars). 2 submissions from 2 submitters: Uncertain significance (2). Last evaluated 2024-11-19.

Conditions:
Houge-Janssens syndrome 1. Also called: PPP2R5D-Related Neurodevelopmental Disorder; INTELLECTUAL DEVELOPMENTAL DISORDER, AUTOSOMAL DOMINANT 35; Hogue-Janssens syndrome 1; Intellectual disability-macrocephaly-hypotonia-behavioral abnormalities syndrome. Identifiers: Orphanet 457279, MedGen C5779996, MONDO:0014602, OMIM 616355.
PPP2R5D-related disorder. Also called: PPP2R5D-related condition.

Submissions (2):

PreventionGenetics, part of Exact Sciences
Classification: Uncertain significance for PPP2R5D-related condition. Last evaluated: 2024-11-19. Review status: criteria provided, single submitter. Criteria: ACMG Guidelines, 2015. Collection method: clinical testing. Allele origin: germline.
Comment: The PPP2R5D c.1607C>G variant is predicted to result in the amino acid substitution p.Thr536Arg. This variant was reported in one individual with seizures (Jiang et al. 2024. PubMed ID: 39201832). This variant has not been reported in a large population database (gnomAD), indicating this variant is rare. A functional study using HEK293 cells indicate that this variant does not impair the assembly of the PP2A holoenyzme (Jiang et al. 2024. PubMed ID: 39201832). At this time, the clinical significance of this variant is uncertain due to the absence of conclusive functional and genetic evidence.

Center for Molecular Medicine, Children’s Hospital of Fudan University
Classification: Uncertain significance for Houge-Janssens syndrome 1. Last evaluated: 2021-08-04. Review status: criteria provided, single submitter. Criteria: ACMG Guidelines, 2015. Collection method: clinical testing. Allele origin: unknown. Affected: yes.